The following is an entry in ClinVar:

NM_004260.4(RECQL4):c.727C>G (p.Gln243Glu)

Gene: RECQL4 (RecQ like helicase 4; minus strand). Cytogenetic location: 8q24.3.
Variant type: single nucleotide variant.
Coding change: c.727C>G on transcript NM_004260.4 (MANE Select); coding-DNA position 727, C replaced by G.
Protein change: p.Gln243Glu; replaces glutamine 243 with glutamic acid.
Molecular consequence: missense variant. On other transcripts: 5 prime UTR variant (17), non-coding transcript variant (3).
Genome position (GRCh38, 1-based): chr8:144,516,392, G>C on the plus strand (C>G on the coding strand, the complement: RECQL4 is on the minus strand). VCF-style: chr8-144516392-G-C. GRCh37 (hg19) VCF-style: chr8-145741776-G-C.
Other names: c.727C>G, p.Gln243Glu (NM_001413017.1, NM_001413018.1, NM_001413019.1 and 4 more transcripts); c.-345C>G (NM_001413021.1, NM_001413022.1, NM_001413023.1 and 7 more transcripts); c.598C>G, p.Gln200Glu (NM_001413025.1); c.-407C>G (NM_001413027.1, NM_001413030.1, NM_001413031.1 and 2 more transcripts); c.376C>G, p.Gln126Glu (NM_001413029.1); c.-249C>G (NM_001413034.1); c.-614C>G (NM_001413043.1); short protein forms Q126E, Q243E, Q200E.
Identifiers: ClinVar variation 3431918 (VCV003431918.1).

ClinVar aggregate classification (germline): Uncertain significance (1 of 4 stars; one submission).

Conditions:
Inborn genetic diseases. Identifiers: MedGen C0950123, MeSH D030342.

Submission:

Ambry Genetics
Classification: Uncertain significance for Inborn genetic diseases. Last evaluated: 2024-12-08. Review status: criteria provided, single submitter. Criteria: Ambry Variant Classification Scheme 2023. Collection method: clinical testing. Allele origin: germline.
Comment: The p.Q243E variant (also known as c.727C>G), located in coding exon 5 of the RECQL4 gene, results from a C to G substitution at nucleotide position 727. The glutamine at codon 243 is replaced by glutamic acid, an amino acid with highly similar properties. This amino acid position is conserved. In addition, this alteration is predicted to be tolerated by in silico analysis. Based on the available evidence, the clinical significance of this variant remains unclear.